The following is an entry in ClinVar:

ClinVar aggregate classification (germline): Uncertain significance. Review status: criteria provided, multiple submitters, no conflicts (2 of 4 stars). 2 submissions from 2 submitters: Uncertain significance (2). Last evaluated 2025-11-24.

Conditions:
Inborn genetic diseases. Identifiers: MedGen C0950123, MeSH D030342.

Allele frequency attached by ClinVar (database versions not stated): ExAC 0.00001; gnomAD 0.00001; gnomAD exomes 0.00002; 1000 Genomes Project 30x 0.00016; 1000 Genomes Project 0.00020.

Submissions (2):

Labcorp Genetics (formerly Invitae), Labcorp
Classification: Uncertain significance. Last evaluated: 2025-11-24. Review status: criteria provided, single submitter. Criteria: Invitae Variant Classification Sherloc (09022015). Collection method: clinical testing. Allele origin: germline.
Comment: This sequence change replaces aspartic acid, which is acidic and polar, with tyrosine, which is neutral and polar, at codon 107 of the MBD4 protein (p.Asp107Tyr). This variant is present in population databases (rs201697944, gnomAD 0.0009%). This variant has not been reported in the literature in individuals affected with MBD4-related conditions. ClinVar contains an entry for this variant (Variation ID: 2861670). An algorithm developed to predict the effect of missense changes on protein structure and function (PolyPhen-2) suggests that this variant is likely to be disruptive. Algorithms developed to predict the effect of sequence changes on RNA splicing suggest that this variant may disrupt the consensus splice site. In summary, the available evidence is currently insufficient to determine the role of this variant in disease. Therefore, it has been classified as a Variant of Uncertain Significance.

Ambry Genetics
Classification: Uncertain significance for Inborn genetic diseases. Last evaluated: 2024-11-24. Review status: criteria provided, single submitter. Criteria: Ambry Variant Classification Scheme 2023. Collection method: clinical testing. Allele origin: germline.
Comment: The p.D107Y variant (also known as c.319G>T), located in coding exon 2 of the MBD4 gene, results from a G to T substitution at nucleotide position 319. The aspartic acid at codon 107 is replaced by tyrosine, an amino acid with highly dissimilar properties. This amino acid position is conserved. In addition, this alteration is predicted to be deleterious by in silico analysis. Based on the available evidence, the clinical significance of this variant remains unclear.

NM_001276270.2(MBD4):c.319G>T (p.Asp107Tyr)

Gene: MBD4 (methyl-CpG binding domain 4, DNA glycosylase; minus strand). Cytogenetic location: 3q21.3.
Variant type: single nucleotide variant.
Coding change: c.319G>T on transcript NM_001276270.2 (MANE Select); coding-DNA position 319, G replaced by T.
Protein change: p.Asp107Tyr; replaces aspartic acid 107 with tyrosine.
Molecular consequence: missense variant. On other transcripts: intron variant (1).
Genome position (GRCh38, 1-based): chr3:129,437,736, C>A on the plus strand (G>T on the coding strand, the complement: MBD4 is on the minus strand). VCF-style: chr3-129437736-C-A. GRCh37 (hg19) VCF-style: chr3-129156579-C-A.
Other names: c.247+72G>T (NM_001276273.2); c.319G>T, p.Asp107Tyr (NM_001276271.2, NM_001276272.2, NM_003925.3); short protein forms D107Y.
Identifiers: ClinVar variation 2861670 (VCV002861670.4), dbSNP rs201697944, ClinGen allele CA2605561.